The following is an entry in ClinVar:

NM_020937.4(FANCM):c.938G>A (p.Arg313His)

Gene: FANCM (FA complementation group M; plus strand). Cytogenetic location: 14q21.2.
Variant type: single nucleotide variant.
Coding change: c.938G>A on transcript NM_020937.4 (MANE Select); coding-DNA position 938, G replaced by A.
Protein change: p.Arg313His; replaces arginine 313 with histidine.
Molecular consequence: missense variant.
Genome position (GRCh38, 1-based): chr14:45,151,416, G>A. VCF-style: chr14-45151416-G-A. GRCh37 (hg19) VCF-style: chr14-45620619-G-A.
Other names: c.860G>A, p.Arg287His (NM_001308133.2); c.938G>A, p.Arg313His (NM_001308134.2); short protein forms R287H, R313H.
Identifiers: ClinVar variation 969578 (VCV000969578.12), dbSNP rs767487612, ClinGen allele CA7168894.

ClinVar aggregate classification (germline): Uncertain significance. Review status: criteria provided, multiple submitters, no conflicts (2 of 4 stars). 2 submissions from 2 submitters: Uncertain significance (2). Last evaluated 2025-02-19.

Conditions:
Fanconi anemia (FA). Also called: Fanconi's anemia. Identifiers: Orphanet 84, MedGen C0015625, MeSH D005199, MONDO:0019391.

Allele frequency attached by ClinVar (database versions not stated): gnomAD 0.00001; TOPMed 0.00003; ExAC 0.00007.
gnomAD v4.1: 98 of 1,613,558 alleles (0.0061%); highest among the groups gnomAD compares: Middle Eastern, 0.016%; no homozygotes.

Submissions (2):

Labcorp Genetics (formerly Invitae), Labcorp
Classification: Uncertain significance for Fanconi anemia. Last evaluated: 2025-02-19. Review status: criteria provided, single submitter. Criteria: Invitae Variant Classification Sherloc (09022015). Collection method: clinical testing. Allele origin: germline.
Comment: This sequence change replaces arginine, which is basic and polar, with histidine, which is basic and polar, at codon 313 of the FANCM protein (p.Arg313His). This variant is present in population databases (rs767487612, gnomAD 0.009%). This variant has not been reported in the literature in individuals affected with FANCM-related conditions. ClinVar contains an entry for this variant (Variation ID: 969578). An algorithm developed to predict the effect of missense changes on protein structure and function outputs the following: PolyPhen-2: "Benign". The histidine amino acid residue is found in multiple mammalian species, which suggests that this missense change does not adversely affect protein function. In summary, the available evidence is currently insufficient to determine the role of this variant in disease. Therefore, it has been classified as a Variant of Uncertain Significance.

GeneDx
Classification: Uncertain significance. Last evaluated: 2024-02-11. Review status: criteria provided, single submitter. Criteria: GeneDx Variant Classification Process June 2021. Collection method: clinical testing. Allele origin: germline. Affected: yes.
Comment: Not observed at significant frequency in large population cohorts (gnomAD); In silico analysis supports that this missense variant does not alter protein structure/function; This variant is associated with the following publications: (PMID: 31068370, 28881617)